The following is an entry in ClinVar:

NM_020949.3(SLC7A14):c.1073C>T (p.Pro358Leu)

Genes: SLC7A14 (solute carrier family 7 member 14; minus strand), SLC7A14-AS1 (SLC7A14 antisense RNA 1; plus strand). Cytogenetic location: 3q26.2.
Variant type: single nucleotide variant.
Coding change: c.1073C>T on transcript NM_020949.3 (MANE Select); coding-DNA position 1073, C replaced by T.
Protein change: p.Pro358Leu; replaces proline 358 with leucine.
Molecular consequence: missense variant.
Genome position (GRCh38, 1-based): chr3:170,483,356, G>A on the plus strand (C>T on the coding strand, the complement: SLC7A14 is on the minus strand). VCF-style: chr3-170483356-G-A. GRCh37 (hg19) VCF-style: chr3-170201145-G-A.
Other names: short protein forms P358L.
Identifiers: ClinVar variation 956864 (VCV000956864.11), dbSNP rs750028108, ClinGen allele CA2701724.

ClinVar aggregate classification (germline): Uncertain significance. Review status: criteria provided, multiple submitters, no conflicts (2 of 4 stars). 2 submissions from 2 submitters: Uncertain significance (2). Last evaluated 2025-12-15.

Allele frequency attached by ClinVar (database versions not stated): ExAC 0.00001; gnomAD 0.00001; gnomAD exomes 0.00001 and 0.00002; TOPMed 0.00001.
gnomAD v4.1: 29 of 1,613,928 alleles (0.0018%); highest among the groups gnomAD compares: Non-Finnish European, 0.0022%; no homozygotes.

Submissions (2):

Labcorp Genetics (formerly Invitae), Labcorp
Classification: Uncertain significance. Last evaluated: 2025-12-15. Review status: criteria provided, single submitter. Criteria: Invitae Variant Classification Sherloc (09022015). Collection method: clinical testing. Allele origin: germline.
Comment: This sequence change replaces proline, which is neutral and non-polar, with leucine, which is neutral and non-polar, at codon 358 of the SLC7A14 protein (p.Pro358Leu). The frequency data for this variant in the population databases is considered unreliable, as metrics indicate poor data quality at this position in the gnomAD database. This variant has not been reported in the literature in individuals affected with SLC7A14-related conditions. ClinVar contains an entry for this variant (Variation ID: 956864). An algorithm developed to predict the effect of missense changes on protein structure and function (PolyPhen-2) suggests that this variant is likely to be disruptive. In summary, the available evidence is currently insufficient to determine the role of this variant in disease. Therefore, it has been classified as a Variant of Uncertain Significance.

Ambry Genetics
Classification: Uncertain significance. Last evaluated: 2025-06-10. Review status: criteria provided, single submitter. Criteria: Ambry Variant Classification Scheme 2023. Collection method: clinical testing. Allele origin: germline.